The following is an entry in ClinVar:

ClinVar aggregate classification (germline): Uncertain significance. Review status: criteria provided, multiple submitters, no conflicts (2 of 4 stars). 2 submissions from 2 submitters: Uncertain significance (2). Last evaluated 2023-11-13.

Conditions:
Neurofibromatosis, type 1 (NF1). Also called: Peripheral type neurofibromatosis; VON RECKLINGHAUSEN DISEASE; NEUROFIBROMATOSIS, TYPE I, SOMATIC; Neurofibromatosis, type I. Identifiers: Orphanet 636, MedGen C0027831, MONDO:0018975, OMIM 162200. Disease mechanism: loss of function.

Submissions (2):

GeneDx
Classification: Uncertain significance. Last evaluated: 2023-11-13. Review status: criteria provided, single submitter. Criteria: GeneDx Variant Classification Process June 2021. Collection method: clinical testing. Allele origin: germline. Affected: yes.
Comment: Not observed at significant frequency in large population cohorts (gnomAD); In silico analysis supports that this missense variant has a deleterious effect on protein structure/function; Has not been previously published as pathogenic or benign to our knowledge; This variant is associated with the following publications: (PMID: 25486365)

Labcorp Genetics (formerly Invitae), Labcorp
Classification: Uncertain significance for Neurofibromatosis, type 1. Last evaluated: 2023-09-05. Review status: criteria provided, single submitter. Criteria: Invitae Variant Classification Sherloc (09022015). Collection method: clinical testing. Allele origin: germline.
Comment: Advanced modeling of protein sequence and biophysical properties (such as structural, functional, and spatial information, amino acid conservation, physicochemical variation, residue mobility, and thermodynamic stability) performed at Invitae indicates that this missense variant is not expected to disrupt NF1 protein function. ClinVar contains an entry for this variant (Variation ID: 2418850). This variant has not been reported in the literature in individuals affected with NF1-related conditions. This variant is not present in population databases (gnomAD no frequency). This sequence change replaces proline, which is neutral and non-polar, with alanine, which is neutral and non-polar, at codon 2289 of the NF1 protein (p.Pro2289Ala). In summary, the available evidence is currently insufficient to determine the role of this variant in disease. Therefore, it has been classified as a Variant of Uncertain Significance.

NM_001042492.3(NF1):c.6928C>G (p.Pro2310Ala)

Gene: NF1 (neurofibromin 1; plus strand). Cytogenetic location: 17q11.2.
Variant type: single nucleotide variant.
Coding change: c.6928C>G on transcript NM_001042492.3 (MANE Select); coding-DNA position 6928, C replaced by G.
Protein change: p.Pro2310Ala; replaces proline 2310 with alanine.
Molecular consequence: missense variant.
Genome position (GRCh38, 1-based): chr17:31,340,511, C>G. VCF-style: chr17-31340511-C-G. GRCh37 (hg19) VCF-style: chr17-29667529-C-G.
Other names: c.6865C>G, p.Pro2289Ala (NM_000267.4); short protein forms P2289A, P2310A.
Identifiers: ClinVar variation 2418850 (VCV002418850.7), dbSNP rs2069789708, ClinGen allele CA399014854.